The following is an entry in ClinVar:

NM_001374828.1(ARID1B):c.6145C>T (p.Arg2049Ter)

Gene: ARID1B (AT-rich interaction domain 1B; plus strand). Cytogenetic location: 6q25.3.
Variant type: single nucleotide variant.
Coding change: c.6145C>T on transcript NM_001374828.1 (MANE Select); coding-DNA position 6145, C replaced by T.
Protein change: p.Arg2049Ter; replaces arginine 2049 with a stop codon.
Molecular consequence: nonsense.
Genome position (GRCh38, 1-based): chr6:157,206,917, C>T. VCF-style: chr6-157206917-C-T. GRCh37 (hg19) VCF-style: chr6-157528051-C-T.
Other names: NM_001374828.1(ARID1B):c.6145C>T; p.Arg2049Ter; c.5776C>T, p.Arg1926Ter (NM_020732.3); c.3646C>T, p.Arg1216Ter (NM_001363725.2); c.6025C>T, p.Arg2009Ter (NM_001371656.1, NM_001374820.1); c.5986C>T, p.Arg1996Ter (NM_017519.3); short protein forms R1926*, R1913*, R1216*, R1996*, R2009*, R2049*.
Identifiers: ClinVar variation 488678 (VCV000488678.38), dbSNP rs1554237658, ClinGen allele CA366247636.
Genomic context (GRCh38, chr6:157,206,917, plus strand): 5'-GGTATCCAGCAAGCCAAAAGTCACCGGAACATCAAGCTGCTGGAGGACGAGCCCAGGAGC[C>T]GAGACGAGACTCCTCTGTGTACCATCGCGCACTGGCAGGACTCGCTGGCTAAGCGATGCA-3'

ClinVar aggregate classification (germline): Pathogenic/Likely pathogenic. Review status: criteria provided, multiple submitters, no conflicts (2 of 4 stars). 17 submissions from 16 submitters: Pathogenic (12); Likely pathogenic (2). 3 of the submissions do not count toward it. Last evaluated 2026-03-02.

Conditions:
ARID1B-Related Disorder. Identifiers: MedGen CN381337.
ARID1B-related BAFopathy.
Inborn genetic diseases. Identifiers: MedGen C0950123, MeSH D030342.
Coffin-Siris syndrome 1 (CSS1). Also called: Mental retardation, autosomal dominant 12; ARID1B-Related Coffin-Siris Syndrome. Identifiers: Orphanet 1465, MedGen C3281201, MONDO:0007617, OMIM 135900. Disease mechanism: gain of function.

Submissions (17):

Broad Center for Mendelian Genomics, Broad Institute of MIT and Harvard
Classification: Likely pathogenic for Coffin-Siris syndrome 1. Last evaluated: 2026-03-02. Review status: criteria provided, single submitter. Criteria: ACMG Guidelines, 2015. Collection method: research. Allele origin: germline. Inheritance: Autosomal dominant inheritance.
Comment: The p.Arg2049Ter variant in ARID1B has been reported in at least five individuals with Coffin-Siris syndrome 1 (PMID: 25533962, 27474218, 31530938, 31618753, 34906496), and was absent from large population studies. This variant has also been reported in ClinVar (Variation ID: 488678) and has been interpreted as pathogenic/likely pathogenic by several labs. This variant was found to be de novo in at least 3 individuals with confirmed paternity and maternity (PMID: 31530938, 31618753, 34906496), and was assumed de novo in at least 2 individuals, but maternity and paternity have not been confirmed (PMID: 25533962, 27474218). This nonsense variant leads to a premature termination codon at position 2049. This alteration occurs within the last exon and is more likely to escape nonsense mediated decay (NMD) and result in a truncated protein. Several truncating variants downstream of this variant are pathogenic/likely pathogenic, which implies this region is critical to protein function. Heterozygous loss of function of the ARID1B gene is an established disease mechanism in Coffin-Siris syndrome 1. In summary, although additional studies are required to fully establish its clinical significance, this variant is likely pathogenic for autosomal dominant Coffin-Siris syndrome 1. ACMG/AMP Criteria applied: PVS1_strong, PS2_moderate, PS4_moderate, PM2_supporting (Richards 2015).

CeGaT Center for Human Genetics Tuebingen
Classification: Pathogenic. Last evaluated: 2025-07-01. Review status: criteria provided, single submitter. Criteria: CeGaT Center For Human Genetics Tuebingen Variant Classification Criteria Version 2. Collection method: clinical testing. Allele origin: germline. Affected: yes. Observed: 1 variant allele.
Comment: ARID1B: PM6:Very Strong, PS4, PVS1:Strong, PM2, PP4

Ambry Genetics
Classification: Pathogenic for Inborn genetic diseases. Last evaluated: 2025-01-17. Review status: criteria provided, single submitter. Criteria: Ambry Variant Classification Scheme 2023. Collection method: clinical testing. Allele origin: germline.
Comment: The c.5776C>T (p.R1926*) alteration, located in exon 20 (coding exon 20) of the ARID1B gene, consists of a C to T substitution at nucleotide position 5776. This changes the amino acid from an arginine (R) to a stop codon at amino acid position 1926. This variant is not expected to trigger nonsense-mediated mRNA decay and impacts the last 14.4% of the protein. However, premature stop codons are typically deleterious in nature, the impacted region is critical for protein function, and a significant portion of the protein is affected (Ambry internal data). This variant was not reported in population-based cohorts in the Genome Aggregation Database (gnomAD). This variant was reported in individual(s) with features of ARID1B-related Coffin-Siris syndrome; in at least one individual, it was determined to be de novo (Mignot, 2016; Ambry internal data). Based on the available evidence, this alteration is classified as pathogenic.

PreventionGenetics, part of Exact Sciences
Classification: Pathogenic for ARID1B-related condition. Last evaluated: 2024-10-30. Review status: criteria provided, single submitter. Criteria: ACMG Guidelines, 2015. Collection method: clinical testing. Allele origin: germline.
Comment: The ARID1B c.5776C>T variant is predicted to result in premature protein termination (p.Arg1926*). This variant has been reported as a recurrent de novo causative variant for Coffin-Siris syndrome (Mignot et al. 2016. PubMed ID: 27474218; Sekiguchi et al. 2019. PubMed ID: 31530938; Table S4, Fitzgerald. 2015. PubMed ID: 25533962). This variant has not been reported in a large population database (gnomAD), indicating this variant is rare. Nonsense variants in ARID1B are expected to be pathogenic. This variant is interpreted as pathogenic.

Labcorp Genetics (formerly Invitae), Labcorp
Classification: Pathogenic. Last evaluated: 2023-12-11. Review status: criteria provided, single submitter. Criteria: Invitae Variant Classification Sherloc (09022015). Collection method: clinical testing. Allele origin: germline.
Comment: This sequence change creates a premature translational stop signal (p.Arg1926*) in the ARID1B gene. While this is not anticipated to result in nonsense mediated decay, it is expected to disrupt the last 324 amino acid(s) of the ARID1B protein. This variant is not present in population databases (gnomAD no frequency). This premature translational stop signal has been observed in individual(s) with Coffin-Siris syndrome (PMID: 27474218, 31618753). In at least one individual the variant was observed to be de novo. ClinVar contains an entry for this variant (Variation ID: 488678). For these reasons, this variant has been classified as Pathogenic.

Institute for Medical Genetics and Human Genetics, Charité - Universitätsmedizin Berlin
Classification: Pathogenic for Coffin-Siris syndrome 1. Last evaluated: 2022-09-27. Review status: criteria provided, single submitter. Criteria: ACMG Guidelines, 2015. Collection method: clinical testing. Allele origin: germline. Inheritance: Autosomal dominant inheritance. Affected: yes. Observed: 1 heterozygote.

GeneDx
Classification: Pathogenic. Last evaluated: 2022-06-13. Review status: criteria provided, single submitter. Criteria: GeneDx Variant Classification Process June 2021. Collection method: clinical testing. Allele origin: germline. Affected: yes.
Comment: Nonsense variant in the C-terminus predicted to result in protein truncation, as the last 324 amino acids are lost, and other loss-of-function variants have been reported downstream in the Human Gene Mutation Database (HGMD); Not observed in large population cohorts (gnomAD); This variant is associated with the following publications: (PMID: 25533962, 28135719, 28191890, 31618753, 31526516, 31785789, 27535533, 27474218, 31530938)

Institute for Clinical Genetics, University Hospital TU Dresden, University Hospital TU Dresden
Classification: Likely pathogenic. Last evaluated: 2021-10-05. Review status: criteria provided, single submitter. Criteria: ACMG Guidelines, 2015. Collection method: clinical testing. Allele origin: de novo.

Genome-Nilou Lab
Classification: Pathogenic for Coffin-Siris syndrome 1. Last evaluated: 2021-07-15. Review status: criteria provided, single submitter. Criteria: ACMG Guidelines, 2015. Collection method: clinical testing. Allele origin: germline. Affected: no.

Baylor Genetics
Classification: Pathogenic for ARID1B-related BAFopathy. Last evaluated: 2021-06-10. Review status: criteria provided, single submitter. Criteria: ACMG Guidelines, 2015. Collection method: clinical testing. Allele origin: de novo. Affected: yes.

Baylor Genetics
Classification: Pathogenic for Coffin-Siris syndrome 1. Last evaluated: 2017-09-01. Review status: criteria provided, single submitter. Criteria: ACMG Guidelines, 2015. Collection method: clinical testing. Allele origin: de novo. Inheritance: Autosomal dominant inheritance. Affected: yes.
Comment: This nonsense mutation is categorized as deleterious according to ACMG guidelines (PMID:18414213).

Clinical Genetics DNA and cytogenetics Diagnostics Lab, Erasmus MC, Erasmus Medical Center
Classification: Pathogenic for Coffin-Siris syndrome 1. Last evaluated: 2015-03-30. Review status: criteria provided, single submitter. Criteria: ACGS Guidelines, 2013. Collection method: clinical testing. Allele origin: germline. Affected: yes. Study: VKGL Data-share Consensus.

Institute for Genomic Statistics and Bioinformatics, University Hospital Bonn
Classification: Pathogenic for Coffin-Siris syndrome 1. Review status: criteria provided, single submitter. Criteria: ACMG Guidelines, 2015. Collection method: clinical testing. Allele origin: unknown. Affected: yes. Observed: 1 variant allele.

Juno Genomics, Hangzhou Juno Genomics, Inc
Classification: Pathogenic for Coffin-Siris syndrome 1. Review status: criteria provided, single submitter. Criteria: ACMG Guidelines, 2015. Collection method: clinical testing. Allele origin: germline. Affected: yes.
Comment: Absent from controls (or at extremely low frequency if recessive) in Genome Aggregation Database, Exome Sequencing Project, 1000 Genomes Project, or Exome Aggregation Consortium.;Null variant in a gene where loss of function (LOF) is a known mechanism of disease.;The prevalence of the variant in affected individuals is significantly increased compared to the prevalence in controls.;Assumed de novo, but without confirmation of paternity and maternity.

Genetics and Genomic Medicine Centre, NeuroGen Healthcare, NeuroGen Healthcare
Classification: Pathogenic. Last evaluated: 2022-04-14. Review status: no assertion criteria provided. Collection method: clinical testing. Allele origin: unknown. Affected: yes. Not counted in ClinVar's aggregate classification.

Genome Diagnostics Laboratory, Amsterdam University Medical Center
Classification: Pathogenic for Coffin-Siris syndrome 1. Last evaluated: 2014-10-24. Review status: no assertion criteria provided. Criteria: ACGS Guidelines, 2013. Collection method: clinical testing. Allele origin: germline. Affected: yes. Study: VKGL Data-share Consensus. Not counted in ClinVar's aggregate classification.

Joint Genome Diagnostic Labs from Nijmegen and Maastricht, Radboudumc and MUMC+
Classification: Pathogenic. Review status: no assertion criteria provided. Collection method: clinical testing. Allele origin: germline. Affected: yes. Study: VKGL Data-share Consensus. Not counted in ClinVar's aggregate classification.

Literature cited by the submitters: PubMed 10361086 (cited by Ambry Genetics); PubMed 23815551 (cited by Ambry Genetics); PubMed 23906836 (cited by Ambry Genetics); PubMed 23929686 (cited by Ambry Genetics); PubMed 25473036 (cited by Ambry Genetics); PubMed 25674384 (cited by Ambry Genetics); PubMed 27474218 (cited by Ambry Genetics and Labcorp Genetics (formerly Invitae), Labcorp); PubMed 37643963 (cited by Ambry Genetics); PubMed 31618753 (cited by Labcorp Genetics (formerly Invitae), Labcorp); PubMed 25326635 (cited by Baylor Genetics).